The following is an entry in ClinVar:

NM_206933.4(USH2A):c.10102C>T (p.Gln3368Ter)

Gene: USH2A (usherin; minus strand). Cytogenetic location: 1q41.
Variant type: single nucleotide variant.
Coding change: c.10102C>T on transcript NM_206933.4 (MANE Select); coding-DNA position 10102, C replaced by T.
Protein change: p.Gln3368Ter; replaces glutamine 3368 with a stop codon.
Molecular consequence: nonsense.
Genome position (GRCh38, 1-based): chr1:215,790,139, G>A on the plus strand (C>T on the coding strand, the complement: USH2A is on the minus strand). VCF-style: chr1-215790139-G-A. GRCh37 (hg19) VCF-style: chr1-215963481-G-A.
Other names: short protein forms Q3368*.
Identifiers: ClinVar variation 2734080 (VCV002734080.3), dbSNP rs2464419618, ClinGen allele CA344843788.

ClinVar aggregate classification (germline): Pathogenic (1 of 4 stars; one submission).

Submission:

Labcorp Genetics (formerly Invitae), Labcorp
Classification: Pathogenic. Last evaluated: 2023-07-06. Review status: criteria provided, single submitter. Criteria: Invitae Variant Classification Sherloc (09022015). Collection method: clinical testing. Allele origin: germline.
Comment: This sequence change creates a premature translational stop signal (p.Gln3368*) in the USH2A gene. It is expected to result in an absent or disrupted protein product. Loss-of-function variants in USH2A are known to be pathogenic (PMID: 10729113, 10909849, 20507924, 25649381). This variant is not present in population databases (gnomAD no frequency). This premature translational stop signal has been observed in individual(s) with Usher syndrome (PMID: 22004887). Algorithms developed to predict the effect of sequence changes on RNA splicing suggest that this variant may disrupt the consensus splice site. For these reasons, this variant has been classified as Pathogenic.

Literature cited by the submitters: PubMed 10729113; PubMed 10909849; PubMed 20507924; PubMed 25649381; PubMed 22004887.